The following is an entry in ClinVar:

NM_000540.3(RYR1):c.11053G>C (p.Glu3685Gln)

Gene: RYR1 (ryanodine receptor 1; plus strand). Cytogenetic location: 19q13.2.
Variant type: single nucleotide variant.
Coding change: c.11053G>C on transcript NM_000540.3 (MANE Select); coding-DNA position 11053, G replaced by C.
Protein change: p.Glu3685Gln; replaces glutamic acid 3685 with glutamine.
Molecular consequence: missense variant.
Genome position (GRCh38, 1-based): chr19:38,528,969, G>C. VCF-style: chr19-38528969-G-C. GRCh37 (hg19) VCF-style: chr19-39019609-G-C.
Other names: c.11038G>C, p.Glu3680Gln (NM_001042723.2); short protein forms E3685Q, E3680Q.
Identifiers: ClinVar variation 544382 (VCV000544382.10), dbSNP rs745315302, ClinGen allele CA308082264.

ClinVar aggregate classification (germline): Uncertain significance. Review status: criteria provided, multiple submitters, no conflicts (2 of 4 stars). 4 submissions from 4 submitters: Uncertain significance (4). Last evaluated 2025-03-06.

Conditions:
Inborn genetic diseases. Identifiers: MedGen C0950123, MeSH D030342.
RYR1-related disorder. Also called: RYR1-related condition; RYR1-related disorders. Identifiers: MedGen CN239331.

Allele frequency attached by ClinVar (database versions not stated): TOPMed 0.00001.
gnomAD v4.1: 27 of 1,610,798 alleles (0.0017%); highest among the groups gnomAD compares: Non-Finnish European, 0.0023%; no homozygotes.

Submissions (4):

GeneDx
Classification: Uncertain significance. Last evaluated: 2025-03-06. Review status: criteria provided, single submitter. Criteria: GeneDx Variant Classification Process June 2021. Collection method: clinical testing. Allele origin: germline. Affected: yes.
Comment: Not observed at significant frequency in large population cohorts (gnomAD); In silico analysis indicates that this missense variant does not alter protein structure/function; Has not been previously published as pathogenic or benign to our knowledge

Ambry Genetics
Classification: Uncertain significance for Inborn genetic diseases. Last evaluated: 2024-01-04. Review status: criteria provided, single submitter. Criteria: Ambry Variant Classification Scheme 2023. Collection method: clinical testing. Allele origin: germline.

Labcorp Genetics (formerly Invitae), Labcorp
Classification: Uncertain significance for RYR1-related disorder. Last evaluated: 2022-07-06. Review status: criteria provided, single submitter. Criteria: Invitae Variant Classification Sherloc (09022015). Collection method: clinical testing. Allele origin: germline.
Comment: This sequence change replaces glutamic acid, which is acidic and polar, with glutamine, which is neutral and polar, at codon 3685 of the RYR1 protein (p.Glu3685Gln). This variant is not present in population databases (gnomAD no frequency). This variant has not been reported in the literature in individuals affected with RYR1-related conditions. ClinVar contains an entry for this variant (Variation ID: 544382). Advanced modeling of protein sequence and biophysical properties (such as structural, functional, and spatial information, amino acid conservation, physicochemical variation, residue mobility, and thermodynamic stability) performed at Invitae indicates that this missense variant is not expected to disrupt RYR1 protein function. In summary, the available evidence is currently insufficient to determine the role of this variant in disease. Therefore, it has been classified as a Variant of Uncertain Significance.

Revvity Omics, Revvity
Classification: Uncertain significance. Last evaluated: 2021-03-19. Review status: criteria provided, single submitter. Criteria: ACMG Guidelines, 2015. Collection method: clinical testing. Allele origin: germline.